The following is an entry in ClinVar:

ClinVar aggregate classification (germline): Conflicting classifications of pathogenicity. Review status: criteria provided, conflicting classifications (1 of 4 stars). 3 submissions from 3 submitters: Likely pathogenic (1); Uncertain significance (1). 1 of the submissions does not count toward it. Last evaluated 2025-12-14.

Conditions:
CACNA1S-related disorder. Also called: CACNA1S-related condition.
Hypokalemic periodic paralysis, type 1. Also called: Hypokalemic Periodic Paralysis Type 1 (AD); HypoPP. Identifiers: Orphanet 681, MedGen C3714580, MONDO:0042979, OMIM 170400.
Malignant hyperthermia, susceptibility to, 5 (MHS5). Also called: CACNA1S-Related Malignant Hyperthermia Susceptibility. Identifiers: Orphanet 423, MedGen C1866077, MONDO:0011163, OMIM 601887.

Submissions (3):

Labcorp Genetics (formerly Invitae), Labcorp
Classification: Uncertain significance for Hypokalemic periodic paralysis, type 1; Malignant hyperthermia, susceptibility to, 5. Last evaluated: 2025-12-14. Review status: criteria provided, single submitter. Criteria: Invitae Variant Classification Sherloc (09022015). Collection method: clinical testing. Allele origin: germline.
Comment: This sequence change replaces arginine, which is basic and polar, with serine, which is neutral and polar, at codon 1242 of the CACNA1S protein (p.Arg1242Ser). This variant is not present in population databases (gnomAD no frequency). This missense change has been observed in individuals with clinical features of hypokalemic periodic paralysis (PMID: 33345742, 36779057). ClinVar contains an entry for this variant (Variation ID: 1723136). Invitae Evidence Modeling of protein sequence and biophysical properties (such as structural, functional, and spatial information, amino acid conservation, physicochemical variation, residue mobility, and thermodynamic stability) has been performed for this missense variant. However, the output from this modeling did not meet the statistical confidence thresholds required to predict the impact of this variant on CACNA1S protein function. This variant disrupts the p.Arg1242 amino acid residue in CACNA1S. Other variant(s) that disrupt this residue have been determined to be pathogenic (PMID: 24240197, 29048924). This suggests that this residue is clinically significant, and that variants that disrupt this residue are likely to be disease-causing. In summary, the available evidence is currently insufficient to determine the role of this variant in disease. Therefore, it has been classified as a Variant of Uncertain Significance.

Blueprint Genetics
Classification: Likely pathogenic for CACNA1S-related disorders. Last evaluated: 2022-12-30. Review status: criteria provided, single submitter. Criteria: ACMG Guidelines, 2015. Collection method: clinical testing. Allele origin: germline. Affected: yes. Observed: 1 variant allele.

Department of Neurology and Geriatrics, Kagoshima University Graduate School of Medical and Dental Sciences
Classification: Likely pathogenic for Hypokalemic periodic paralysis, type 1. Last evaluated: 2022-04-12. Review status: no assertion criteria provided. Collection method: research. Allele origin: germline. Affected: yes. Not counted in ClinVar's aggregate classification.

Literature cited by the submitters: PubMed 33345742 (cited by Labcorp Genetics (formerly Invitae), Labcorp); PubMed 36779057 (cited by Labcorp Genetics (formerly Invitae), Labcorp); PubMed 24240197 (cited by Labcorp Genetics (formerly Invitae), Labcorp); PubMed 29048924 (cited by Labcorp Genetics (formerly Invitae), Labcorp).

NM_000069.3(CACNA1S):c.3726G>T (p.Arg1242Ser)

Gene: CACNA1S (calcium voltage-gated channel subunit alpha1 S; minus strand). Cytogenetic location: 1q32.1.
Variant type: single nucleotide variant.
Coding change: c.3726G>T on transcript NM_000069.3 (MANE Select); coding-DNA position 3726, G replaced by T.
Protein change: p.Arg1242Ser; replaces arginine 1242 with serine.
Molecular consequence: missense variant.
Genome position (GRCh38, 1-based): chr1:201,053,528, C>A on the plus strand (G>T on the coding strand, the complement: CACNA1S is on the minus strand). VCF-style: chr1-201053528-C-A. GRCh37 (hg19) VCF-style: chr1-201022656-C-A.
Other names: short protein forms R1242S.
Identifiers: ClinVar variation 1723136 (VCV001723136.3), dbSNP rs2464460771, ClinGen allele CA344154656.